The following is an entry in ClinVar:

ClinVar aggregate classification (germline): Uncertain significance. Review status: no assertion criteria provided (0 of 4 stars). 2 submissions from 1 submitter: Uncertain significance (1). 1 of the submissions does not count toward it.

Submissions (2):

Richard Lifton Laboratory, Yale University School of Medicine
Classification: Uncertain significance. Review status: no assertion criteria provided. Collection method: not provided. Allele origin: somatic.
Comment: BBS7:p.F379V
ClinVar note: Converted during submission from unknown to Uncertain significance.

Richard Lifton Laboratory, Yale University School of Medicine
Classification: Uncertain significance. Review status: flagged submission. Collection method: not provided. Allele origin: somatic. Not counted in ClinVar's aggregate classification.
ClinVar note: Converted during submission from unknown to Uncertain significance.
ClinVar note: Reason: This record appears to be redundant with a more recent record from the same submitter.
ClinVar note: Notes: SCV000120118 appears to be redundant with SCV000155222.

NM_176824.3(BBS7):c.1135T>G (p.Phe379Val)

Gene: BBS7 (Bardet-Biedl syndrome 7; minus strand). Cytogenetic location: 4q27.
Variant type: single nucleotide variant.
Coding change: c.1135T>G on transcript NM_176824.3 (MANE Select); coding-DNA position 1135, T replaced by G.
Protein change: p.Phe379Val; replaces phenylalanine 379 with valine.
Molecular consequence: missense variant.
Genome position (GRCh38, 1-based): chr4:121,845,599, A>C on the plus strand (T>G on the coding strand, the complement: BBS7 is on the minus strand). VCF-style: chr4-121845599-A-C. GRCh37 (hg19) VCF-style: chr4-122766754-A-C.
Other names: c.1135T>G, p.Phe379Val (NM_018190.4); short protein forms F379V.
Identifiers: ClinVar variation 100893 (VCV000100893.2), dbSNP rs483352770, ClinGen allele CA229213.